The following is an entry in ClinVar:

NM_001042681.2(RERE):c.2598A>T (p.Pro866=)

Gene: RERE (arginine-glutamic acid dipeptide repeats; minus strand). Cytogenetic location: 1p36.23.
Variant type: single nucleotide variant.
Coding change: c.2598A>T on transcript NM_001042681.2 (MANE Select); coding-DNA position 2598, A replaced by T.
Protein change: p.Pro866=; no amino-acid change (proline 866 retained).
Molecular consequence: synonymous variant.
Genome position (GRCh38, 1-based): chr1:8,360,909, T>A on the plus strand (A>T on the coding strand, the complement: RERE is on the minus strand). VCF-style: chr1-8360909-T-A. GRCh37 (hg19) VCF-style: chr1-8420969-T-A.
Other names: c.936A>T, p.Pro312= (NM_001042682.2); c.2598A>T, p.Pro866= (NM_012102.4).
Identifiers: ClinVar variation 720070 (VCV000720070.27), dbSNP rs751088456, ClinGen allele CA571341.
Genomic context (GRCh38, chr1:8,360,909, plus strand): 5'-CCCCAGAGGGGCCTGGCCTTGGGAGGCCTGGGGAGGGAGGCCAAAGGGCTGTGGGGGGCC[T>A]GGGTGCTGCAGCAGGGGCCCAGCCTGCAGGCTGTGAGGGCCGGGTGGGCCCTGACCGTGC-3'
Protein context (NP_001036146.1, residues 856-876): SLQAGPLLQH[Pro866=]GPPQPFGLPP

ClinVar aggregate classification (germline): Benign/Likely benign. Review status: criteria provided, multiple submitters, no conflicts (2 of 4 stars). 2 submissions from 2 submitters: Benign (1); Likely benign (1). Last evaluated 2024-05-01.

Allele frequency attached by ClinVar (database versions not stated): gnomAD exomes 0.00012; TOPMed 0.00013; ExAC 0.00031.
gnomAD v4.1: 237 of 1,489,962 alleles (0.016%); highest among the groups gnomAD compares: Non-Finnish European, 0.02%; no homozygotes.

Submissions (2):

CeGaT Center for Human Genetics Tuebingen
Classification: Likely benign. Last evaluated: 2024-05-01. Review status: criteria provided, single submitter. Criteria: CeGaT Center For Human Genetics Tuebingen Variant Classification Criteria Version 2. Collection method: clinical testing. Allele origin: germline. Affected: yes. Observed: 2 variant alleles.
Comment: RERE: BP4, BP7

Labcorp Genetics (formerly Invitae), Labcorp
Classification: Benign. Last evaluated: 2017-12-14. Review status: criteria provided, single submitter. Criteria: Invitae Variant Classification Sherloc (09022015). Collection method: clinical testing. Allele origin: germline.